The following is an entry in ClinVar:

NM_001032386.2(SUOX):c.-32C>T

Gene: SUOX (sulfite oxidase; plus strand). Cytogenetic location: 12q13.2.
Variant type: single nucleotide variant.
Coding change: c.-32C>T on transcript NM_001032386.2 (MANE Select); 32 bases upstream of the start codon, C replaced by T.
Molecular consequence: 5 prime UTR variant. On other transcripts: intron variant (1).
Genome position (GRCh38, 1-based): chr12:55,997,702, C>T. VCF-style: chr12-55997702-C-T. GRCh37 (hg19) VCF-style: chr12-56391486-C-T.
Other names: c.-158C>T (NM_000456.3); c.-11+363C>T (NM_001032387.2).
Identifiers: ClinVar variation 309824 (VCV000309824.6), dbSNP rs705703, ClinGen allele CA10633305.

ClinVar aggregate classification (germline): Benign (1 of 4 stars; one submission).

Conditions:
Sulfite oxidase deficiency. Also called: Isolated sulfite oxidase deficiency. Identifiers: Orphanet 833, Orphanet 99731, MedGen C0268624, MONDO:0010089, OMIM 272300, HP:0003643.

Allele frequency attached by ClinVar (database versions not stated): 1000 Genomes Project 30x 0.01046; 1000 Genomes Project 0.01098; gnomAD 0.01883 and 0.01929; TOPMed 0.01933; gnomAD exomes 0.04104.

Submission:

Illumina Laboratory Services, Illumina
Classification: Benign for Sulfite oxidase deficiency. Last evaluated: 2018-01-12. Review status: criteria provided, single submitter. Criteria: ICSL Variant Classification Criteria 13 December 2019. Collection method: clinical testing. Allele origin: germline.
Comment: This variant was observed in the ICSL laboratory as part of a predisposition screen in an ostensibly healthy population. It had not been previously curated by ICSL or reported in the Human Gene Mutation Database (HGMD: prior to June 1st, 2018), and was therefore a candidate for classification through an automated scoring system. Utilizing variant allele frequency, disease prevalence and penetrance estimates, and inheritance mode, an automated score was calculated to assess if this variant is too frequent to cause the disease. Based on the score and internal cut-off values, a variant classified as benign is not then subjected to further curation. The score for this variant resulted in a classification of benign for this disease.